The following is an entry in ClinVar:

ClinVar aggregate classification (germline): Pathogenic (1 of 4 stars; one submission).

Submission:

Labcorp Genetics (formerly Invitae), Labcorp
Classification: Pathogenic. Last evaluated: 2017-10-18. Review status: criteria provided, single submitter. Criteria: Invitae Variant Classification Sherloc (09022015). Collection method: clinical testing. Allele origin: germline.
Comment: For these reasons, this variant has been classified as Pathogenic. Loss-of-function variants in RTTN are known to be pathogenic (PMID: 26608784, 26846091). This variant has not been reported in the literature in individuals with RTTN-related disease. This variant is not present in population databases (ExAC no frequency). This sequence change creates a premature translational stop signal (p.Gln1659*) in the RTTN gene. It is expected to result in an absent or disrupted protein product.

Literature cited by the submitters: PubMed 26608784; PubMed 26846091.

NM_173630.4(RTTN):c.4975C>T (p.Gln1659Ter)

Gene: RTTN (rotatin; minus strand). Cytogenetic location: 18q22.2.
Variant type: single nucleotide variant.
Coding change: c.4975C>T on transcript NM_173630.4 (MANE Select); coding-DNA position 4975, C replaced by T.
Protein change: p.Gln1659Ter; replaces glutamine 1659 with a stop codon.
Molecular consequence: nonsense.
Genome position (GRCh38, 1-based): chr18:70,057,798, G>A on the plus strand (C>T on the coding strand, the complement: RTTN is on the minus strand). VCF-style: chr18-70057798-G-A. GRCh37 (hg19) VCF-style: chr18-67725034-G-A.
Other names: c.2239C>T, p.Gln747Ter (NM_001318520.2); short protein forms Q1659*, Q747*.
Identifiers: ClinVar variation 1068742 (VCV001068742.7), dbSNP rs771001575, ClinGen allele CA402693829.